The following is an entry in ClinVar:

NM_013247.5(HTRA2):c.1362T>A (p.Pro454=)

Genes: HTRA2 (HtrA serine peptidase 2; plus strand), LOXL3 (lysyl oxidase like 3; minus strand). Cytogenetic location: 2p13.1.
Variant type: single nucleotide variant.
Coding change: c.1362T>A on transcript NM_013247.5 (MANE Select); coding-DNA position 1362, T replaced by A.
Protein change: p.Pro454=; no amino-acid change (proline 454 retained).
Molecular consequence: synonymous variant. On other transcripts: non-coding transcript variant (4), 3 prime UTR variant (3).
Genome position (GRCh38, 1-based): chr2:74,532,970, T>A. VCF-style: chr2-74532970-T-A. GRCh37 (hg19) VCF-style: chr2-74760097-T-A.
Other names: c.1296T>A, p.Pro432= (NM_001321727.1); c.1266T>A, p.Pro422= (NM_001321728.1); c.1071T>A, p.Pro357= (NM_145074.2); c.*636A>T (NM_001289164.3, NM_001289165.2, NM_032603.5).
Identifiers: ClinVar variation 3039120 (VCV003039120.4), dbSNP rs1397034286, ClinGen allele CA426839020.

ClinVar aggregate classification (germline): Likely benign. Review status: criteria provided, single submitter (1 of 4 stars). 2 submissions from 2 submitters: Likely benign (1). 1 of the submissions does not count toward it. Last evaluated 2026-04-01.

Conditions:
HTRA2-related disorder. Also called: HTRA2-related condition.

Submissions (2):

CeGaT Center for Human Genetics Tuebingen
Classification: Likely benign. Last evaluated: 2026-04-01. Review status: criteria provided, single submitter. Criteria: CeGaT Center For Human Genetics Tuebingen Variant Classification Criteria Version 2. Collection method: clinical testing. Allele origin: germline. Affected: yes. Observed: 1 variant allele.
Comment: HTRA2: PM2:Supporting, BP4, BP7

PreventionGenetics, part of Exact Sciences
Classification: Likely benign for HTRA2-related condition. Last evaluated: 2024-01-23. Review status: no assertion criteria provided. Collection method: clinical testing. Allele origin: germline. Not counted in ClinVar's aggregate classification.
Comment: This variant is classified as likely benign based on ACMG/AMP sequence variant interpretation guidelines (Richards et al. 2015 PMID: 25741868, with internal and published modifications).